The following is an entry in ClinVar:

ClinVar aggregate classification (germline): Likely benign (1 of 4 stars; one submission).

gnomAD v4.1: 54 of 398,480 alleles (0.014%); highest among the groups gnomAD compares: South Asian, 0.64%; 1 homozygote.

Submission:

CeGaT Center for Human Genetics Tuebingen
Classification: Likely benign. Last evaluated: 2025-09-01. Review status: criteria provided, single submitter. Criteria: CeGaT Center For Human Genetics Tuebingen Variant Classification Criteria Version 2. Collection method: clinical testing. Allele origin: germline. Affected: yes. Observed: 1 variant allele.
Comment: KCNQ1OT1: BS2

NM_000218.3(KCNQ1):c.1514+16424G>T

Genes: KCNQ1 (potassium voltage-gated channel subfamily Q member 1; plus strand), KCNQ1OT1 (KCNQ1 opposite strand/antisense transcript 1; minus strand). Cytogenetic location: 11p15.5.
Variant type: single nucleotide variant.
Coding change: c.1514+16424G>T on transcript NM_000218.3 (MANE Select); 16424 bases into the intron after coding-DNA position 1514, G replaced by T.
Molecular consequence: intron variant. On other transcripts: non-coding transcript variant (1).
Genome position (GRCh38, 1-based): chr11:2,678,505, G>T. VCF-style: chr11-2678505-G-T. GRCh37 (hg19) VCF-style: chr11-2699735-G-T.
Other names: c.1244+16424G>T (NM_001406837.1); c.1418+16424G>T (NM_001406836.1); c.974+16424G>T (NM_001406838.1); c.1133+16424G>T (NM_181798.2).
Identifiers: ClinVar variation 4281219 (VCV004281219.7).